The following is an entry in ClinVar:

NM_182914.3(SYNE2):c.16480-9T>G

Gene: SYNE2 (spectrin repeat containing nuclear envelope protein 2; plus strand). Cytogenetic location: 14q23.2.
Variant type: single nucleotide variant.
Coding change: c.16480-9T>G on transcript NM_182914.3 (MANE Select); 9 bases into the intron before coding-DNA position 16480, T replaced by G.
Molecular consequence: intron variant.
Genome position (GRCh38, 1-based): chr14:64,165,276, T>G. VCF-style: chr14-64165276-T-G. GRCh37 (hg19) VCF-style: chr14-64631994-T-G.
Other names: c.16480-9T>G (NM_015180.6).
Identifiers: ClinVar variation 313624 (VCV000313624.5), dbSNP rs776380039, ClinGen allele CA7223396.

ClinVar aggregate classification (germline): Likely benign (1 of 4 stars; one submission).

Conditions:
Emery-Dreifuss muscular dystrophy 5, autosomal dominant (EDMD5). Also called: EMERY-DREIFUSS MUSCULAR DYSTROPHY 5. Identifiers: Orphanet 261, MedGen C2751805, MONDO:0013072, OMIM 612999.

Allele frequency attached by ClinVar (database versions not stated): gnomAD 0.00001; ExAC 0.00002; gnomAD exomes 0.00002; TOPMed 0.00002.
gnomAD v4.1: 32 of 1,613,064 alleles (0.002%); highest among the groups gnomAD compares: Non-Finnish European, 0.0027%; no homozygotes.

Submission:

Illumina Laboratory Services, Illumina
Classification: Likely benign for Emery-Dreifuss muscular dystrophy 5, autosomal dominant. Last evaluated: 2018-01-12. Review status: criteria provided, single submitter. Criteria: ICSL Variant Classification Criteria 13 December 2019. Collection method: clinical testing. Allele origin: germline.
Comment: This variant was observed in the ICSL laboratory as part of a predisposition screen in an ostensibly healthy population. It had not been previously curated by ICSL or reported in the Human Gene Mutation Database (HGMD: prior to June 1st, 2018), and was therefore a candidate for classification through an automated scoring system. Utilizing variant allele frequency, disease prevalence and penetrance estimates, and inheritance mode, an automated score was calculated to assess if this variant is too frequent to cause the disease. Based on the score and internal cut-off values, a variant classified as likely benign is not then subjected to further curation. The score for this variant resulted in a classification of likely benign for this disease.